The following is an entry in ClinVar:

NM_001440.4(EXTL3):c.79A>G (p.Ile27Val)

Gene: EXTL3 (exostosin like glycosyltransferase 3; plus strand). Cytogenetic location: 8p21.1.
Variant type: single nucleotide variant.
Coding change: c.79A>G on transcript NM_001440.4 (MANE Select); coding-DNA position 79, A replaced by G.
Protein change: p.Ile27Val; replaces isoleucine 27 with valine.
Molecular consequence: missense variant.
Genome position (GRCh38, 1-based): chr8:28,716,138, A>G. VCF-style: chr8-28716138-A-G. GRCh37 (hg19) VCF-style: chr8-28573655-A-G.
Other names: short protein forms I27V.
Identifiers: ClinVar variation 1494781 (VCV001494781.7), dbSNP rs1801139095, ClinGen allele CA370852994.

ClinVar aggregate classification (germline): Uncertain significance (1 of 4 stars; one submission).

Allele frequency attached by ClinVar (database versions not stated): gnomAD exomes below 0.00001.
gnomAD v4.1: 1 of 1,614,006 alleles (0.000062%); highest among the groups gnomAD compares: Non-Finnish European, 0.000085%; no homozygotes.

Submission:

Labcorp Genetics (formerly Invitae), Labcorp
Classification: Uncertain significance. Last evaluated: 2021-05-30. Review status: criteria provided, single submitter. Criteria: Invitae Variant Classification Sherloc (09022015). Collection method: clinical testing. Allele origin: germline.
Comment: This sequence change replaces isoleucine with valine at codon 27 of the EXTL3 protein (p.Ile27Val). The isoleucine residue is moderately conserved and there is a small physicochemical difference between isoleucine and valine. This variant is not present in population databases (ExAC no frequency). This variant has not been reported in the literature in individuals with EXTL3-related conditions. Algorithms developed to predict the effect of missense changes on protein structure and function (SIFT, PolyPhen-2, Align-GVGD) all suggest that this variant is likely to be tolerated, but these predictions have not been confirmed by published functional studies and their clinical significance is uncertain. In summary, the available evidence is currently insufficient to determine the role of this variant in disease. Therefore, it has been classified as a Variant of Uncertain Significance.